The following is an entry in ClinVar:

ClinVar aggregate classification (germline): Uncertain significance (1 of 4 stars; one submission).

Conditions:
Inborn genetic diseases. Identifiers: MedGen C0950123, MeSH D030342.

Submission:

Ambry Genetics
Classification: Uncertain significance for Inborn genetic diseases. Last evaluated: 2022-12-08. Review status: criteria provided, single submitter. Criteria: Ambry Variant Classification Scheme 2023. Collection method: clinical testing. Allele origin: germline.
Comment: The c.1557delA (p.D520Tfs*794) alteration, located in exon 5 (coding exon 4) of the DSPP gene, consists of a deletion of one nucleotide at position 1557, causing a translational frameshift with a predicted alternate stop codon after 794 amino acids. This alteration occurs in the last exon of the DSPP gene, is not expected to trigger nonsense-mediated mRNA decay, and only impacts the last 781 amino acids of the protein. The exact functional effect of this alteration is unknown. This variant was not reported in population-based cohorts in the Genome Aggregation Database (gnomAD). Based on insufficient or conflicting evidence, the clinical significance of this alteration remains unclear.

NM_014208.3(DSPP):c.1557del (p.Asp520fs)

Genes: DMP1-AS1 (DMP1 and DSPP antisense RNA 1; minus strand), DSPP (dentin sialophosphoprotein; plus strand). Cytogenetic location: 4q22.1.
Variant type: Deletion.
Coding change: c.1557del on transcript NM_014208.3 (MANE Select); coding-DNA position 1557, one base deleted (A; older notation c.1557delA).
Protein change: p.Asp520fs; shifts the reading frame from aspartic acid 520.
Molecular consequence: frameshift variant.
Genome position (GRCh38, 1-based): chr4:87,614,219, A deleted. VCF-style (leftmost placement, unchanged base first): chr4-87614218-CA-C. GRCh37 (hg19) VCF-style: chr4-88535370-CA-C.
Other names: c.1557delA (NM_014208.3); short protein forms D520fs.
Identifiers: ClinVar variation 2321837 (VCV002321837.2), dbSNP rs2475883224, ClinGen allele CA2580071858.